The following is an entry in ClinVar:

ClinVar aggregate classification (germline): Conflicting classifications of pathogenicity. Review status: criteria provided, conflicting classifications (1 of 4 stars). 17 submissions from 17 submitters: Uncertain significance (1); Benign (8); Likely benign (7). 1 of the submissions does not count toward it. Last evaluated 2026-04-01.

Conditions:
Breast and/or ovarian cancer. Identifiers: MedGen CN221562.
Hereditary cancer-predisposing syndrome. Also called: Tumor predisposition; Hereditary neoplastic syndrome; Hereditary Cancer Syndrome; Neoplastic Syndromes, Hereditary. Identifiers: Orphanet 140162, MedGen C0027672, MeSH D009386, MONDO:0015356.
Familial cancer of breast. Also called: Hereditary breast cancer; hereditary breast carcinoma; BREAST CANCER, FAMILIAL. Identifiers: Orphanet 227535, MedGen C0346153, MONDO:0016419, OMIM 114480. Disease mechanism: loss of function.
Ataxia-telangiectasia syndrome (AT). Also called: ATAXIA-TELANGIECTASIA, COMPLEMENTATION GROUP A; ATAXIA-TELANGIECTASIA, FRESNO VARIANT; Ataxia-telangiectasia; Ataxia-telangiectasia, complementation group D; AT, COMPLEMENTATION GROUP C; Ataxia-telangiectasia, complementation group E. Identifiers: Orphanet 100, MedGen C0004135, MONDO:0008840, OMIM 208900.
Malignant tumor of breast. Also called: Cancer breast; Malignant breast neoplasm. Identifiers: MedGen C0006142, MONDO:0007254. Disease mechanism: loss of function.

Allele frequency attached by ClinVar (database versions not stated): gnomAD exomes 0.00156 and 0.00079; ExAC 0.00160; ESP Exome Variant Server 0.00023; gnomAD 0.00076 and 0.00092; 1000 Genomes Project 30x 0.00109; 1000 Genomes Project 0.00120; TOPMed 0.00010.
gnomAD v4.1: 1,297 of 1,613,698 alleles (0.08%); highest among the groups gnomAD compares: South Asian, 0.53%; 11 homozygotes.

Submissions (17):

CeGaT Center for Human Genetics Tuebingen
Classification: Likely benign. Last evaluated: 2026-04-01. Review status: criteria provided, single submitter. Criteria: CeGaT Center For Human Genetics Tuebingen Variant Classification Criteria Version 2. Collection method: clinical testing. Allele origin: germline. Affected: yes. Observed: 3 variant alleles.
Comment: ATM: BP4

Labcorp Genetics (formerly Invitae), Labcorp
Classification: Benign for Ataxia-telangiectasia syndrome. Last evaluated: 2026-02-03. Review status: criteria provided, single submitter. Criteria: Invitae Variant Classification Sherloc (09022015). Collection method: clinical testing. Allele origin: germline.

Center for Genomic Medicine, Rigshospitalet, Copenhagen University Hospital
Classification: Likely benign. Last evaluated: 2025-03-04. Review status: criteria provided, single submitter. Criteria: ACMG Guidelines, 2015. Collection method: clinical testing. Allele origin: germline.

Blueprint Genetics
Classification: Likely benign. Last evaluated: 2024-11-24. Review status: criteria provided, single submitter. Criteria: ACMG Guidelines, 2015. Collection method: clinical testing. Allele origin: germline.

Myriad Genetics, Inc.
Classification: Benign for Familial cancer of breast. Last evaluated: 2024-05-13. Review status: criteria provided, single submitter. Criteria: Myriad Autosomal Dominant, Autosomal Recessive and X-Linked Classification Criteria (2023). Collection method: clinical testing. Allele origin: unknown.
Comment: This variant is considered benign. This variant is a silent/synonymous amino acid change and it is not expected to impact splicing.

KCCC/NGS Laboratory, Kuwait Cancer Control Center
Classification: Benign for Familial cancer of breast. Last evaluated: 2023-07-07. Review status: criteria provided, single submitter. Criteria: ACMG Guidelines, 2015. Collection method: clinical testing. Allele origin: germline. Affected: yes.

Quest Diagnostics Nichols Institute San Juan Capistrano
Classification: Benign. Last evaluated: 2022-12-05. Review status: criteria provided, single submitter. Criteria: Quest Diagnostics criteria. Collection method: clinical testing. Allele origin: unknown.

Genetic Services Laboratory, University of Chicago
Classification: Likely benign. Last evaluated: 2021-11-29. Review status: criteria provided, single submitter. Criteria: ACMG Guidelines, 2015. Collection method: clinical testing. Allele origin: germline. Affected: no.

CHEO Genetics Diagnostic Laboratory, Children's Hospital of Eastern Ontario
Classification: Likely benign for Breast and/or ovarian cancer. Last evaluated: 2021-05-06. Review status: criteria provided, single submitter. Criteria: ACMG Guidelines, 2015. Collection method: clinical testing. Allele origin: germline.

Sema4
Classification: Benign for Hereditary cancer-predisposing syndrome. Last evaluated: 2020-07-31. Review status: criteria provided, single submitter. Criteria: Sema4 Curation Guidelines. Collection method: curation. Allele origin: germline.

Women's Health and Genetics/Laboratory Corporation of America, LabCorp
Classification: Benign. Last evaluated: 2018-12-26. Review status: criteria provided, single submitter. Criteria: LabCorp Variant Classification Summary - May 2015. Collection method: clinical testing. Allele origin: germline.
Comment: Variant summary: The variant, ATM c.3150T>C alters a non-conserved nucleotide resulting in a synonymous change. 5/5 computational tools predict no significant impact on normal splicing. However, these predictions have yet to be confirmed by functional studies. The variant allele was found at a frequency of 0.0016 in 277234 control chromosomes (gnomAD and publication), predominantly at a frequency of 0.009 within the Finnish subpopulation in the gnomAD database. The observed variant frequency within Finnish control individuals in the gnomAD database is approximately 9 fold of the estimated maximal expected allele frequency for a pathogenic variant in ATM causing Breast Cancer phenotype (0.001), strongly suggesting that the variant is a benign polymorphism found primarily in populations of Finnish origin. The variant c.3150T>C has been reported in the literature in individuals affected with breast or ovarian cancer (Heikkinen_2005). This report, however does not provide unequivocal conclusions about association of the variant with Breast Cancer. To our knowledge, no experimental evidence demonstrating an impact on protein function has been reported. Three ClinVar submissions from clinical diagnostic laboratories (evaluation after 2014) cite the variant likely benign/benign. Based on the evidence outlined above, the variant was classified as benign.

Illumina Laboratory Services, Illumina
Classification: Uncertain significance for Ataxia-telangiectasia syndrome. Last evaluated: 2018-01-13. Review status: criteria provided, single submitter. Criteria: ICSL Variant Classification Criteria 13 December 2019. Collection method: clinical testing. Allele origin: germline.

PreventionGenetics, part of Exact Sciences
Classification: Benign. Last evaluated: 2017-08-30. Review status: criteria provided, single submitter. Criteria: ACMG Guidelines, 2015. Collection method: clinical testing. Allele origin: germline.

Color Diagnostics, LLC DBA Color Health
Classification: Likely benign for Hereditary cancer-predisposing syndrome. Last evaluated: 2015-08-07. Review status: criteria provided, single submitter. Criteria: ACMG Guidelines, 2015. Collection method: clinical testing. Allele origin: germline.

GeneDx
Classification: Benign. Last evaluated: 2015-03-03. Review status: criteria provided, single submitter. Criteria: GeneDx Variant Classification Process June 2021. Collection method: clinical testing. Allele origin: germline. Affected: yes.

Ambry Genetics
Classification: Likely benign for Hereditary cancer-predisposing syndrome. Last evaluated: 2014-07-28. Review status: criteria provided, single submitter. Criteria: Ambry Variant Classification Scheme 2023. Collection method: clinical testing. Allele origin: germline.

Department of Pathology and Laboratory Medicine, Sinai Health System
Classification: Likely benign for Malignant tumor of breast. Review status: no assertion criteria provided. Collection method: clinical testing. Allele origin: unknown. Affected: yes. Study: The Canadian Open Genetics Repository (COGR). Not counted in ClinVar's aggregate classification.
Comment: The ATM p.Leu1050= variant was identified in 1 of 242 proband chromosomes (frequency: 0.004) from Finnish individuals or families with breast and/or ovarian cancer; and was present in 1 of 186 control chromosomes (frequency: 0.005) from lymphoblastoid cell lines from unselected individuals from major populations (Thorstenson 2001, Heikkinen 2005). The variant was also identified in dbSNP (ID: rs3092859) â€šÃ„ÃºWith Likely benignâ€šÃ„Ã¹ allele , ClinVar (classified benign by Invitae and likely benign by Ambry Genetics). The variant was not identified in GeneInsight-COGR, Cosmic, MutDB, LOVD 3.0, and ATM-LOVD database. The variant was identified in control databases in 439 (1 homozygous) of 277050 chromosomes at a frequency of 0.002 increasing the likelihood this could be a low frequency benign variant (Genome Aggregation Consortium Feb 27, 2017). The p.Leu1050= variant is not expected to have clinical significance because it does not result in a change of amino acid and is not located in a known consensus splice site, but located 4 nucleotides from the 3â€šÃ„Ã´end of exon 21. In addition, in silico or computational prediction software programs (SpliceSiteFinder, MaxEntScan, NNSPLICE, GeneSplicer, HumanSpliceFinder) do not predict a difference in splicing. In summary, based on the above information the clinical significance of this variant cannot be determined with certainty at this time although we would lean towards a more benign role for this variant. This variant is classified as likely benign.

Literature cited by the submitters: PubMed 11443540 (cited by Quest Diagnostics Nichols Institute San Juan Capistrano and Women's Health and Genetics/Laboratory Corporation of America, LabCorp); PubMed 15756685 (cited by Quest Diagnostics Nichols Institute San Juan Capistrano and Women's Health and Genetics/Laboratory Corporation of America, LabCorp); PubMed 17132159 (cited by Quest Diagnostics Nichols Institute San Juan Capistrano and Women's Health and Genetics/Laboratory Corporation of America, LabCorp).

NM_000051.4(ATM):c.3150T>C (p.Leu1050=)

Gene: ATM (ATM serine/threonine kinase; plus strand). Cytogenetic location: 11q22.3.
Variant type: single nucleotide variant.
Coding change: c.3150T>C on transcript NM_000051.4 (MANE Select); coding-DNA position 3150, T replaced by C.
Protein change: p.Leu1050=; no amino-acid change (leucine 1050 retained).
Molecular consequence: synonymous variant.
Genome position (GRCh38, 1-based): chr11:108,272,604, T>C. VCF-style: chr11-108272604-T-C. GRCh37 (hg19) VCF-style: chr11-108143331-T-C.
Other names: c.3150T>C, p.Leu1050= (NM_001351834.2).
Identifiers: ClinVar variation 135748 (VCV000135748.63), dbSNP rs3092859, ClinGen allele CA186610.